The following is an entry in ClinVar:

ClinVar aggregate classification (germline): Uncertain significance (1 of 4 stars; one submission).

Conditions:
Dyskeratosis congenita. Identifiers: Orphanet 1775, MedGen C0265965, MONDO:0015780.

Submission:

Labcorp Genetics (formerly Invitae), Labcorp
Classification: Uncertain significance for Dyskeratosis congenita. Last evaluated: 2024-12-14. Review status: criteria provided, single submitter. Criteria: Invitae Variant Classification Sherloc (09022015). Collection method: clinical testing. Allele origin: germline.
Comment: This sequence change replaces lysine, which is basic and polar, with arginine, which is basic and polar, at codon 17 of the DKC1 protein (p.Lys17Arg). This variant is not present in population databases (gnomAD no frequency). This variant has not been reported in the literature in individuals affected with DKC1-related conditions. An algorithm developed to predict the effect of missense changes on protein structure and function (PolyPhen-2) suggests that this variant is likely to be disruptive. In summary, the available evidence is currently insufficient to determine the role of this variant in disease. Therefore, it has been classified as a Variant of Uncertain Significance.

NM_001363.5(DKC1):c.50A>G (p.Lys17Arg)

Gene: DKC1 (dyskerin pseudouridine synthase 1; plus strand). Cytogenetic location: Xq28.
Variant type: single nucleotide variant.
Coding change: c.50A>G on transcript NM_001363.5 (MANE Select); coding-DNA position 50, A replaced by G.
Protein change: p.Lys17Arg; replaces lysine 17 with arginine.
Molecular consequence: missense variant. On other transcripts: non-coding transcript variant (3).
Genome position (GRCh38, 1-based): chrX:154,764,932, A>G. VCF-style: chrX-154764932-A-G. GRCh37 (hg19) VCF-style: chrX-153993207-A-G.
Other names: c.50A>G, p.Lys17Arg (NM_001142463.3, NM_001288747.2); short protein forms K17R.
Identifiers: ClinVar variation 3727243 (VCV003727243.2).
Genomic context (GRCh38, chrX:154,764,932, plus strand): 5'-TCCCAAATCCTGTGTTTGTTTTTTTAGTAATTATTTTGCCAAAGAAACATAAGAAGAAAA[A>G]GGAGCGGAAGTCATTGCCAGAAGAAGATGTAGCCGTGAGTAGTAATGTGTTTGACTTCAC-3'
Protein context (NP_001354.1, residues 7-27): IILPKKHKKK[Lys17Arg]ERKSLPEEDV